The following is an entry in ClinVar:

NM_000352.6(ABCC8):c.4308-14T>A

Gene: ABCC8 (ATP binding cassette subfamily C member 8; minus strand). Cytogenetic location: 11p15.1.
Variant type: single nucleotide variant.
Coding change: c.4308-14T>A on transcript NM_000352.6 (MANE Select); 14 bases into the intron before coding-DNA position 4308, T replaced by A.
Molecular consequence: intron variant.
Genome position (GRCh38, 1-based): chr11:17,395,289, A>T on the plus strand (T>A on the coding strand, the complement: ABCC8 is on the minus strand). VCF-style: chr11-17395289-A-T. GRCh37 (hg19) VCF-style: chr11-17416836-A-T.
Other names: c.4305-14T>A (NM_001351297.2); c.4308-14T>A (NM_001351296.2); c.4374-14T>A (NM_001351295.2); c.4311-14T>A (NM_001287174.3).
Identifiers: ClinVar variation 4855811 (VCV004855811.1).

ClinVar aggregate classification (germline): Uncertain significance (1 of 4 stars; one submission).

Conditions:
Hyperinsulinemic hypoglycemia, familial, 1 (HHF1). Also called: Persistent Hyperinsulinemia Hypoglycemia of Infancy; Persistent hyperinsulinemic hypoglycemia of infancy; HYPERINSULINISM, FAMILIAL, WITH PANCREATIC NESIDIOBLASTOSIS; HYPOGLYCEMIA, HYPERINSULINEMIC, OF INFANCY; NESIDIOBLASTOSIS OF PANCREAS. Identifiers: Orphanet 276575, Orphanet 276598, MedGen C2931832, MONDO:0009734, OMIM 256450.

Submission:

3billion
Classification: Uncertain significance for Hyperinsulinemic hypoglycemia, familial, 1. Last evaluated: 2025-06-02. Review status: criteria provided, single submitter. Criteria: ACMG Guidelines, 2015. Collection method: clinical testing. Allele origin: germline. Affected: yes.
Comment: The variant is not observed in the gnomAD v4.1.0 dataset. Predicted Consequence/Location: Intron variant In silico tools predict the variant to alter splicing and produce an abnormal transcript [SpliceAI: 0.89 (>=0.2, moderate evidence for spliceogenicity)]. Therefore, this variant is classified as VUS according to the recommendation of ACMG/AMP guideline.